The following is an entry in ClinVar:

ClinVar aggregate classification (germline): Likely pathogenic (1 of 4 stars; one submission).

Submission:

Labcorp Genetics (formerly Invitae), Labcorp
Classification: Likely pathogenic. Last evaluated: 2024-10-22. Review status: criteria provided, single submitter. Criteria: Invitae Variant Classification Sherloc (09022015). Collection method: clinical testing. Allele origin: germline.
Comment: This sequence change replaces glycine, which is neutral and non-polar, with arginine, which is basic and polar, at codon 507 of the LRP5 protein (p.Gly507Arg). This variant is not present in population databases (gnomAD no frequency). This missense change has been observed in individual(s) with clinical features of osteoporosis-pseudoglioma syndrome (internal data). ClinVar contains an entry for this variant (Variation ID: 1966256). Invitae Evidence Modeling of protein sequence and biophysical properties (such as structural, functional, and spatial information, amino acid conservation, physicochemical variation, residue mobility, and thermodynamic stability) indicates that this missense variant is expected to disrupt LRP5 protein function with a positive predictive value of 95%. This variant disrupts the p.Gly507 amino acid residue in LRP5. Other variant(s) that disrupt this residue have been determined to be pathogenic (PMID: 22456437, 24423337). This suggests that this residue is clinically significant, and that variants that disrupt this residue are likely to be disease-causing. In summary, the currently available evidence indicates that the variant is pathogenic, but additional data are needed to prove that conclusively. Therefore, this variant has been classified as Likely Pathogenic.

Literature cited by the submitters: PubMed 22456437; PubMed 24423337.

NM_002335.4(LRP5):c.1519G>C (p.Gly507Arg)

Gene: LRP5 (LDL receptor related protein 5; plus strand). Cytogenetic location: 11q13.2.
Variant type: single nucleotide variant.
Coding change: c.1519G>C on transcript NM_002335.4 (MANE Select); coding-DNA position 1519, G replaced by C.
Protein change: p.Gly507Arg; replaces glycine 507 with arginine.
Molecular consequence: missense variant. On other transcripts: intron variant (1).
Genome position (GRCh38, 1-based): chr11:68,389,987, G>C. VCF-style: chr11-68389987-G-C. GRCh37 (hg19) VCF-style: chr11-68157455-G-C.
Other names: c.-354+3275G>C (NM_001291902.2); short protein forms G507R.
Identifiers: ClinVar variation 1966256 (VCV001966256.5), dbSNP rs765290711, ClinGen allele CA381613158.